The following is an entry in ClinVar:

NM_033305.3(VPS13A):c.7253del (p.Asn2418fs)

Gene: VPS13A (vacuolar protein sorting 13 homolog A; plus strand). Cytogenetic location: 9q21.2.
Variant type: Deletion.
Coding change: c.7253del on transcript NM_033305.3 (MANE Select); coding-DNA position 7253, one base deleted (A; older notation c.7253delA).
Protein change: p.Asn2418fs; shifts the reading frame from asparagine 2418.
Molecular consequence: frameshift variant.
Genome position (GRCh38, 1-based): chr9:77,345,106, A deleted; the last of 3 consecutive A bases (chr9:77,345,104-77,345,106); deleting any one gives the same sequence. VCF-style (leftmost placement, unchanged base first): chr9-77345103-TA-T. GRCh37 (hg19) VCF-style: chr9-79960019-TA-T.
Other names: c.7136del, p.Asn2379fs (NM_001018037.2); c.7253del, p.Asn2418fs (NM_001018038.3, NM_015186.4); short protein forms N2418fs, N2379fs.
Identifiers: ClinVar variation 2844526 (VCV002844526.3), dbSNP rs2538099581, ClinGen allele CA2739269311.
Genomic context (GRCh38, chr9:77,345,103, plus strand): 5'-AGCATTCTACAGTTATTACATTTTTAGATTATCATGATGGAGCAGCTACATTCCTCTTAA[TA>T]AATCACACAAAGAATGAACTTGTTCAATACAATCAAAGGTAAGATTATCACAAATACAGT-3'

ClinVar aggregate classification (germline): Pathogenic (1 of 4 stars; one submission).

Submission:

Labcorp Genetics (formerly Invitae), Labcorp
Classification: Pathogenic. Last evaluated: 2023-05-18. Review status: criteria provided, single submitter. Criteria: Invitae Variant Classification Sherloc (09022015). Collection method: clinical testing. Allele origin: germline.
Comment: For these reasons, this variant has been classified as Pathogenic. This variant has not been reported in the literature in individuals affected with VPS13A-related conditions. This variant is not present in population databases (gnomAD no frequency). This sequence change creates a premature translational stop signal (p.Asn2418Ilefs*18) in the VPS13A gene. It is expected to result in an absent or disrupted protein product. Loss-of-function variants in VPS13A are known to be pathogenic (PMID: 12404112, 21598378).

Literature cited by the submitters: PubMed 12404112; PubMed 21598378.